The following is an entry in ClinVar:

NM_007327.4(GRIN1):c.955C>T (p.Pro319Ser)

Gene: GRIN1 (glutamate ionotropic receptor NMDA type subunit 1; plus strand). Cytogenetic location: 9q34.3.
Variant type: single nucleotide variant.
Coding change: c.955C>T on transcript NM_007327.4 (MANE Select); coding-DNA position 955, C replaced by T.
Protein change: p.Pro319Ser; replaces proline 319 with serine.
Molecular consequence: missense variant.
Genome position (GRCh38, 1-based): chr9:137,157,024, C>T. VCF-style: chr9-137157024-C-T. GRCh37 (hg19) VCF-style: chr9-140051476-C-T.
Other names: c.955C>T, p.Pro319Ser (NM_000832.7, NM_021569.4); c.1018C>T, p.Pro340Ser (NM_001185090.2, NM_001185091.2); short protein forms P319S, P340S.
Identifiers: ClinVar variation 2579082 (VCV002579082.28), dbSNP rs1833266868, ClinGen allele CA375715245.
Genomic context (GRCh38, chr9:137,157,024, plus strand): 5'-GAGAACATCACCGACCCGCCGCGGGGCTGCGTGGGCAACACCAACATCTGGAAGACCGGG[C>T]CGCTCTTCAAGAGGTGGGCGGGGCCTCCCCGGAGCTGGGCGGGGCTGCTCTTGGGGAGGT-3'
Protein context (NP_015566.1, residues 309-329): VGNTNIWKTG[Pro319Ser]LFKRVLMSSK

ClinVar aggregate classification (germline): Uncertain significance. Review status: criteria provided, multiple submitters, no conflicts (2 of 4 stars). 2 submissions from 2 submitters: Uncertain significance (2). Last evaluated 2023-11-27.

Conditions:
Neurodevelopmental disorder with or without hyperkinetic movements and seizures, autosomal dominant. Also called: Intellectual disability, autosomal dominant 8. Identifiers: MedGen C3280282, MONDO:0013655, OMIM 614254.

gnomAD v4.1: 1 of 1,611,634 alleles (0.000062%); highest among the groups gnomAD compares: Non-Finnish European, 0.000085%; no homozygotes.

Submissions (2):

Labcorp Genetics (formerly Invitae), Labcorp
Classification: Uncertain significance for Neurodevelopmental disorder with or without hyperkinetic movements and seizures, autosomal dominant. Last evaluated: 2023-11-27. Review status: criteria provided, single submitter. Criteria: Invitae Variant Classification Sherloc (09022015). Collection method: clinical testing. Allele origin: germline.
Comment: This sequence change replaces proline, which is neutral and non-polar, with serine, which is neutral and polar, at codon 319 of the GRIN1 protein (p.Pro319Ser). This variant is not present in population databases (gnomAD no frequency). This variant has not been reported in the literature in individuals affected with GRIN1-related conditions. ClinVar contains an entry for this variant (Variation ID: 2579082). Advanced modeling of protein sequence and biophysical properties (such as structural, functional, and spatial information, amino acid conservation, physicochemical variation, residue mobility, and thermodynamic stability) has been performed at Invitae for this missense variant, however the output from this modeling did not meet the statistical confidence thresholds required to predict the impact of this variant on GRIN1 protein function. In summary, the available evidence is currently insufficient to determine the role of this variant in disease. Therefore, it has been classified as a Variant of Uncertain Significance.

CeGaT Center for Human Genetics Tuebingen
Classification: Uncertain significance. Last evaluated: 2023-07-01. Review status: criteria provided, single submitter. Criteria: CeGaT Center For Human Genetics Tuebingen Variant Classification Criteria Version 2. Collection method: clinical testing. Allele origin: germline. Affected: yes. Observed: 1 variant allele.
Comment: GRIN1: PM2, PS2:Moderate, PP2